The following is an entry in ClinVar:

NM_018718.3(CEP41):c.*4595G>A

Gene: CEP41 (centrosomal protein 41; minus strand). Cytogenetic location: 7q32.2.
Variant type: single nucleotide variant.
Coding change: c.*4595G>A on transcript NM_018718.3 (MANE Select); 4595 bases downstream of the stop codon, G replaced by A.
Molecular consequence: 3 prime UTR variant. On other transcripts: non-coding transcript variant (1).
Genome position (GRCh38, 1-based): chr7:130,394,296, C>T on the plus strand (G>A on the coding strand, the complement: CEP41 is on the minus strand). VCF-style: chr7-130394296-C-T. GRCh37 (hg19) VCF-style: chr7-130034137-C-T.
Other names: c.*4595G>A (NM_001257158.2, NM_001257159.2).
Identifiers: ClinVar variation 912135 (VCV000912135.4), dbSNP rs117814753, ClinGen allele CA4485126.
Genomic context (GRCh38, chr7:130,394,296, plus strand): 5'-CTGGCTTTTCAAACCCTTGGTCAGAGACTGAAGGCAAACCTGAGTCACTTAATTTCTACC[C>T]GAACCTCAGTCTCCTCATCTGAAAATGGGGGTGCCTGCCTCATCAGACTGTTGTGGAAAT-3'

ClinVar aggregate classification (germline): Benign (1 of 4 stars; one submission).

Conditions:
Joubert syndrome 15 (JBTS15). Identifiers: Orphanet 475, MedGen C3280897, MONDO:0013763, OMIM 614464.

Allele frequency attached by ClinVar (database versions not stated): gnomAD exomes 0.00071 and 0.00165; 1000 Genomes Project 30x 0.00406; 1000 Genomes Project 0.00479; ExAC 0.00019; gnomAD 0.00046 and 0.00070; TOPMed 0.00068.
gnomAD v4.1: 315 of 454,056 alleles (0.069%); highest among the groups gnomAD compares: East Asian, 2%; 1 homozygote.

Submission:

Illumina Laboratory Services, Illumina
Classification: Benign for Joubert syndrome 15. Last evaluated: 2017-04-27. Review status: criteria provided, single submitter. Criteria: ICSL Variant Classification Criteria 13 December 2019. Collection method: clinical testing. Allele origin: germline.
Comment: This variant was observed as part of a predisposition screen in an ostensibly healthy population. A literature search was performed for the gene, cDNA change, and amino acid change (where applicable). No publications were found based on this search. Allele frequency data from public databases was too high to be consistent with this variant causing disease. Therefore, this variant is classified as benign.